The following is an entry in ClinVar:

NM_000183.3(HADHB):c.173A>G (p.Asp58Gly)

Gene: HADHB (hydroxyacyl-CoA dehydrogenase trifunctional multienzyme complex subunit beta; plus strand). Cytogenetic location: 2p23.3.
Variant type: single nucleotide variant.
Coding change: c.173A>G on transcript NM_000183.3 (MANE Select); coding-DNA position 173, A replaced by G.
Protein change: p.Asp58Gly; replaces aspartic acid 58 with glycine.
Molecular consequence: missense variant.
Genome position (GRCh38, 1-based): chr2:26,263,443, A>G. VCF-style: chr2-26263443-A-G. GRCh37 (hg19) VCF-style: chr2-26486311-A-G.
Other names: c.173A>G, p.Asp58Gly (NM_001281512.2); c.107A>G, p.Asp36Gly (NM_001281513.2); short protein forms D58G, D36G.
Identifiers: ClinVar variation 430537 (VCV000430537.10), dbSNP rs746076418, ClinGen allele CA1560107.

ClinVar aggregate classification (germline): Uncertain significance. Review status: criteria provided, multiple submitters, no conflicts (2 of 4 stars). 3 submissions from 3 submitters: Uncertain significance (3). Last evaluated 2025-03-28.

Conditions:
HADHB-related disorder. Also called: HADHB-related condition.
Mitochondrial trifunctional protein deficiency. Identifiers: Orphanet 746, MedGen C1969443, MONDO:0012172.

Allele frequency attached by ClinVar (database versions not stated): gnomAD 0.00001; gnomAD exomes 0.00001 and 0.00003; TOPMed 0.00003; ExAC 0.00004.
gnomAD v4.1: 22 of 1,612,536 alleles (0.0014%); highest among the groups gnomAD compares: Middle Eastern, 0.017%; no homozygotes.

Submissions (3):

PreventionGenetics, part of Exact Sciences
Classification: Uncertain significance for HADHB-related condition. Last evaluated: 2025-03-28. Review status: criteria provided, single submitter. Criteria: ACMG Guidelines, 2015. Collection method: clinical testing. Allele origin: germline.
Comment: The HADHB c.173A>G variant is predicted to result in the amino acid substitution p.Asp58Gly. To our knowledge, this variant has not been reported in the literature. This variant is reported in 0.0065% of alleles in individuals of South Asian descent in gnomAD. At this time, the clinical significance of this variant is uncertain due to the absence of conclusive functional and genetic evidence.

Labcorp Genetics (formerly Invitae), Labcorp
Classification: Uncertain significance for Mitochondrial trifunctional protein deficiency. Last evaluated: 2021-09-01. Review status: criteria provided, single submitter. Criteria: Invitae Variant Classification Sherloc (09022015). Collection method: clinical testing. Allele origin: germline.
Comment: This sequence change replaces aspartic acid with glycine at codon 58 of the HADHB protein (p.Asp58Gly). The aspartic acid residue is moderately conserved and there is a moderate physicochemical difference between aspartic acid and glycine. This variant is present in population databases (rs746076418, ExAC 0.01%). This variant has not been reported in the literature in individuals affected with HADHB-related conditions. ClinVar contains an entry for this variant (Variation ID: 430537). Algorithms developed to predict the effect of missense changes on protein structure and function are either unavailable or do not agree on the potential impact of this missense change (SIFT: "Deleterious"; PolyPhen-2: "Possibly Damaging"; Align-GVGD: "Class C0"). In summary, the available evidence is currently insufficient to determine the role of this variant in disease. Therefore, it has been classified as a Variant of Uncertain Significance.

GeneDx
Classification: Uncertain significance. Last evaluated: 2017-05-31. Review status: criteria provided, single submitter. Criteria: GeneDx Variant Classification (06012015). Collection method: clinical testing. Allele origin: germline. Affected: yes.
Comment: The D58G variant in the HADHB gene has not been reported previously as a pathogenic variant, nor as a benign variant, to our knowledge. The D58G variant is observed in 2/16512 (0.012%) alleles from individuals of South Asian background and in 2/66736 (0.003%) alleles from individuals of European background, in the ExAC dataset (Lek et al., 2016). The D58G variant is a non-conservative amino acid substitution, which is likely to impact secondary protein structure as these residues differ in polarity, charge, size and/or other properties. This substitution occurs at a position where amino acids with similar properties to Aspartic acid are tolerated across species. In silico analysis predicts this variant is probably damaging to the protein structure/function. We interpret D58G as a variant of uncertain significance.